The following is an entry in ClinVar:

ClinVar aggregate classification (germline): Likely pathogenic. Review status: criteria provided, multiple submitters, no conflicts (2 of 4 stars). 3 submissions from 3 submitters: Likely pathogenic (2). 1 of the submissions does not count toward it. Last evaluated 2026-03-18.

Conditions:
Developmental and epileptic encephalopathy, 76. Also called: EPILEPTIC ENCEPHALOPATHY, EARLY INFANTILE, 76; DEVELOPMENTAL DELAY, EPILEPTIC ENCEPHALOPATHY, CEREBRAL ATROPHY, AND ABNORMAL MYELINATION. Identifiers: MedGen C5193113, MONDO:0032768, OMIM 618468.

Allele frequency attached by ClinVar (database versions not stated): gnomAD exomes below 0.00001.
gnomAD v4.1: 1 of 1,614,086 alleles (0.000062%); highest among the groups gnomAD compares: Non-Finnish European, 0.000085%; no homozygotes.

Submissions (3):

GeneDx
Classification: Likely pathogenic. Last evaluated: 2026-03-18. Review status: criteria provided, single submitter. Criteria: GeneDx Variant Classification Process June 2021. Collection method: clinical testing. Allele origin: germline.
Comment: Nonsense variant predicted to result in protein truncation or nonsense mediated decay in a gene for which loss of function is a known mechanism of disease; Not observed at significant frequency in large population cohorts (gnomAD); Has not been previously published as pathogenic or benign to our knowledge

Clinical Genetics Laboratory, Skane University Hospital Lund
Classification: Likely pathogenic. Last evaluated: 2022-05-27. Review status: criteria provided, single submitter. Criteria: ACMG Guidelines, 2015. Collection method: clinical testing. Allele origin: germline. Affected: yes.

Houlden Lab, UCL Institute of Neurology
Classification: Pathogenic for Developmental and epileptic encephalopathy, 76. Review status: no assertion criteria provided. Collection method: research. Allele origin: germline. Affected: yes. Observed: 1 variant allele. Not counted in ClinVar's aggregate classification.

NM_016188.5(ACTL6B):c.832C>T (p.Gln278Ter)

Gene: ACTL6B (actin like 6B; minus strand). Cytogenetic location: 7q22.1.
Variant type: single nucleotide variant.
Coding change: c.832C>T on transcript NM_016188.5 (MANE Select); coding-DNA position 832, C replaced by T.
Protein change: p.Gln278Ter; replaces glutamine 278 with a stop codon.
Molecular consequence: nonsense. On other transcripts: non-coding transcript variant (1).
Genome position (GRCh38, 1-based): chr7:100,647,075, G>A on the plus strand (C>T on the coding strand, the complement: ACTL6B is on the minus strand). VCF-style: chr7-100647075-G-A. GRCh37 (hg19) VCF-style: chr7-100244698-G-A.
Other names: short protein forms Q278*.
Identifiers: ClinVar variation 2500131 (VCV002500131.3), dbSNP rs2486158174, ClinGen allele CA368543300.
Genomic context (GRCh38, chr7:100,647,075, plus strand): 5'-GCTCGGCGCCGTAGTCTGTATTGTAGCCATTGGGCATCTCGTAGTGCACTGTGGGCATTT[G>A]TGCAGCCACCCTACCCAGAAGGGAGCAGGACTCTGCCTGGGGTGCTCAAGAAGGATCAGT-3'